The following is an entry in ClinVar:

NM_000202.8(IDS):c.245C>A (p.Ala82Glu)

Gene: IDS (iduronate 2-sulfatase; minus strand). Cytogenetic location: Xq28.
Variant type: single nucleotide variant.
Coding change: c.245C>A on transcript NM_000202.8 (MANE Select); coding-DNA position 245, C replaced by A.
Protein change: p.Ala82Glu; replaces alanine 82 with glutamic acid.
Molecular consequence: missense variant. On other transcripts: non-coding transcript variant (1), intron variant (1).
Genome position (GRCh38, 1-based): chrX:149,503,485, G>T on the plus strand (C>A on the coding strand, the complement: IDS is on the minus strand). VCF-style: chrX-149503485-G-T. GRCh37 (hg19) VCF-style: chrX-148585015-G-T.
Other names: c.245C>A, p.Ala82Glu (NM_006123.5); c.15-40C>A (NM_001166550.4); short protein forms A82E.
Identifiers: ClinVar variation 3255625 (VCV003255625.2).

ClinVar aggregate classification (germline): Likely pathogenic (1 of 4 stars; one submission).

Conditions:
Mucopolysaccharidosis, MPS-II (MPS2). Also called: Hunter Syndrome; IDURONATE 2-SULFATASE DEFICIENCY; Mucopolysaccharidosis Type II; Mucopolysaccharidosis type 2; Attenuated MPS (subtype; formerly known as mild MPS II); Severe MPS II. Identifiers: Orphanet 580, Orphanet 79388, MedGen C0026705, MONDO:0010674, OMIM 309900.

Submission:

Laboratory of Diagnosis and Therapy of Lysosomal Disorders, University of Padova
Classification: Likely pathogenic for Mucopolysaccharidosis, MPS-II. Last evaluated: 2024-06-07. Review status: criteria provided, single submitter. Criteria: ACMG Guidelines, 2015. Collection method: literature only. Allele origin: germline. Affected: yes. Observed: 2 variant alleles.
Comment: Absent from controls (or at low frequency) in gnomAD database (PM2_Moderate), Missense change at the same amino acid residue as a pathogenic variant (PM5_Moderate), Missense variant in a gene with a low rate of benign missense variation (PP2_Supporting), Multiple lines of computational evidence support a deleterious effect (PP3_Supporting), Patient’s phenotype or family history highly specific for the disease (PP4_Moderate)

Classification method: ACMG Guidelines [PMID:25741868] with modifications

Literature cited by the submitters: PubMed 9950361; PubMed 27146977.